The following is an entry in ClinVar:

ClinVar aggregate classification (germline): Benign/Likely benign. Review status: criteria provided, multiple submitters, no conflicts (2 of 4 stars). 12 submissions from 12 submitters: Benign (2); Likely benign (10). Last evaluated 2026-01-07.

Conditions:
PALB2-related disorder. Also called: PALB2-related condition; PALB2-related disorders.
Hereditary cancer-predisposing syndrome. Also called: Tumor predisposition; Neoplastic Syndromes, Hereditary; Hereditary Cancer Syndrome; Hereditary neoplastic syndrome. Identifiers: Orphanet 140162, MedGen C0027672, MeSH D009386, MONDO:0015356.
Familial cancer of breast. Also called: hereditary breast carcinoma; BREAST CANCER, FAMILIAL; Hereditary breast cancer. Identifiers: Orphanet 227535, MedGen C0346153, MONDO:0016419, OMIM 114480. Disease mechanism: loss of function.

Allele frequency attached by ClinVar (database versions not stated): ExAC 0.00002; gnomAD exomes 0.00002 and 0.00004; gnomAD 0.00003 and 0.00020; TOPMed 0.00024.
gnomAD v4.1: 87 of 1,614,094 alleles (0.0054%); highest among the groups gnomAD compares: Non-Finnish European, 0.0052%; 1 homozygote.

Submissions (12):

PreventionGenetics, part of Exact Sciences
Classification: Likely benign for PALB2-related condition. Last evaluated: 2026-01-07. Review status: criteria provided, single submitter. Criteria: ACMG Guidelines, 2015. Collection method: clinical testing. Allele origin: germline.
Comment: This variant is classified as likely benign based on ACMG/AMP sequence variant interpretation guidelines (Richards et al. 2015 PMID: 25741868, with internal and published modifications).

Labcorp Genetics (formerly Invitae), Labcorp
Classification: Likely benign for Familial cancer of breast. Last evaluated: 2025-12-29. Review status: criteria provided, single submitter. Criteria: Invitae Variant Classification Sherloc (09022015). Collection method: clinical testing. Allele origin: germline.

CeGaT Center for Human Genetics Tuebingen
Classification: Likely benign. Last evaluated: 2025-10-01. Review status: criteria provided, single submitter. Criteria: CeGaT Center For Human Genetics Tuebingen Variant Classification Criteria Version 2. Collection method: clinical testing. Allele origin: germline. Affected: yes. Observed: 1 variant allele.
Comment: PALB2: BP4, BP7

Center for Genomic Medicine, Rigshospitalet, Copenhagen University Hospital
Classification: Likely benign. Last evaluated: 2025-03-04. Review status: criteria provided, single submitter. Criteria: ACMG Guidelines, 2015. Collection method: clinical testing. Allele origin: germline.

Myriad Genetics, Inc.
Classification: Benign for Familial cancer of breast. Last evaluated: 2025-01-15. Review status: criteria provided, single submitter. Criteria: Myriad Autosomal Dominant, Autosomal Recessive and X-Linked Classification Criteria (2023). Collection method: clinical testing. Allele origin: unknown.
Comment: This variant is considered benign. This variant is a silent/synonymous amino acid change and it is not expected to impact splicing.

Quest Diagnostics Nichols Institute San Juan Capistrano
Classification: Likely benign. Last evaluated: 2023-05-22. Review status: criteria provided, single submitter. Criteria: Quest Diagnostics criteria. Collection method: clinical testing. Allele origin: unknown.

Blueprint Genetics
Classification: Likely benign. Last evaluated: 2022-11-15. Review status: criteria provided, single submitter. Criteria: ACMG Guidelines, 2015. Collection method: clinical testing. Allele origin: germline.

Women's Health and Genetics/Laboratory Corporation of America, LabCorp
Classification: Likely benign. Last evaluated: 2022-10-21. Review status: criteria provided, single submitter. Criteria: LabCorp Variant Classification Summary - May 2015. Collection method: clinical testing. Allele origin: germline.

Color Diagnostics, LLC DBA Color Health
Classification: Likely benign for Hereditary cancer-predisposing syndrome. Last evaluated: 2016-11-12. Review status: criteria provided, single submitter. Criteria: ACMG Guidelines, 2015. Collection method: clinical testing. Allele origin: germline.

Cancer Genetics Laboratory, Peter MacCallum Cancer Centre
Classification: Likely benign for Familial cancer of breast. Last evaluated: 2015-06-01. Review status: criteria provided, single submitter. Criteria: Thompson et al. (Breast Cancer Res. 2015). Collection method: case-control. Allele origin: germline. Affected: no. Observed: 1 variant allele, 1 heterozygote.

GeneDx
Classification: Benign. Last evaluated: 2015-03-14. Review status: criteria provided, single submitter. Criteria: GeneDx Variant Classification (06012015). Collection method: clinical testing. Allele origin: germline. Affected: yes.
Comment: This variant is considered likely benign or benign based on one or more of the following criteria: it is a conservative change, it occurs at a poorly conserved position in the protein, it is predicted to be benign by multiple in silico algorithms, and/or has population frequency not consistent with disease.

Ambry Genetics
Classification: Likely benign for Hereditary cancer-predisposing syndrome. Last evaluated: 2014-08-12. Review status: criteria provided, single submitter. Criteria: Ambry Variant Classification Scheme 2023. Collection method: clinical testing. Allele origin: germline.

Literature cited by the submitters: PubMed 26283626 (cited by Quest Diagnostics Nichols Institute San Juan Capistrano); PubMed 30309218 (cited by Quest Diagnostics Nichols Institute San Juan Capistrano).

NM_024675.4(PALB2):c.2244A>G (p.Thr748=)

Gene: PALB2 (partner and localizer of BRCA2; minus strand). Cytogenetic location: 16p12.2.
Variant type: single nucleotide variant.
Coding change: c.2244A>G on transcript NM_024675.4 (MANE Select); coding-DNA position 2244, A replaced by G.
Protein change: p.Thr748=; no amino-acid change (threonine 748 retained).
Molecular consequence: synonymous variant.
Genome position (GRCh38, 1-based): chr16:23,629,910, T>C on the plus strand (A>G on the coding strand, the complement: PALB2 is on the minus strand). VCF-style: chr16-23629910-T-C. GRCh37 (hg19) VCF-style: chr16-23641231-T-C.
Identifiers: ClinVar variation 183967 (VCV000183967.51), dbSNP rs750048627, ClinGen allele CA187343.